The following is an entry in ClinVar:

NM_001232.4(CASQ2):c.205C>G (p.Gln69Glu)

Gene: CASQ2 (calsequestrin 2; minus strand). Cytogenetic location: 1p13.1.
Variant type: single nucleotide variant.
Coding change: c.205C>G on transcript NM_001232.4 (MANE Select); coding-DNA position 205, C replaced by G.
Protein change: p.Gln69Glu; replaces glutamine 69 with glutamic acid.
Molecular consequence: missense variant.
Genome position (GRCh38, 1-based): chr1:115,768,337, G>C on the plus strand (C>G on the coding strand, the complement: CASQ2 is on the minus strand). VCF-style: chr1-115768337-G-C. GRCh37 (hg19) VCF-style: chr1-116310958-G-C.
Other names: short protein forms Q69E.
Identifiers: ClinVar variation 646041 (VCV000646041.6), dbSNP rs761862949, ClinGen allele CA1023989.

ClinVar aggregate classification (germline): Uncertain significance. Review status: criteria provided, multiple submitters, no conflicts (2 of 4 stars). 3 submissions from 3 submitters: Uncertain significance (3). Last evaluated 2025-03-04.

Conditions:
Catecholaminergic polymorphic ventricular tachycardia (CVPT). Also called: Catecholamine-induced polymorphic ventricular tachycardia. Identifiers: Orphanet 3286, MedGen C5574922, MONDO:0017990.
Catecholaminergic polymorphic ventricular tachycardia 2. Also called: CASQ2-Related Catecholaminergic Polymorphic Ventricular Tachycardia; VENTRICULAR TACHYCARDIA, STRESS-INDUCED POLYMORPHIC 2. Identifiers: Orphanet 3286, MedGen C2677794, MONDO:0012762, OMIM 611938.
Cardiovascular phenotype. Identifiers: MedGen CN230736.

Allele frequency attached by ClinVar (database versions not stated): gnomAD exomes below 0.00001; ExAC 0.00001; gnomAD 0.00001; TOPMed 0.00001.
gnomAD v4.1: 3 of 1,613,456 alleles (0.00019%); highest among the groups gnomAD compares: Non-Finnish European, 0.00025%; no homozygotes.

Submissions (3):

Ambry Genetics
Classification: Uncertain significance for Cardiovascular phenotype. Last evaluated: 2025-03-04. Review status: criteria provided, single submitter. Criteria: Ambry Variant Classification Scheme 2023. Collection method: clinical testing. Allele origin: germline.
Comment: The p.Q69E variant (also known as c.205C>G), located in coding exon 1 of the CASQ2 gene, results from a C to G substitution at nucleotide position 205. The glutamine at codon 69 is replaced by glutamic acid, an amino acid with highly similar properties. This amino acid position is well conserved in available vertebrate species. In addition, this alteration is predicted to be tolerated by in silico analysis. Since supporting evidence is limited at this time, the clinical significance of this alteration remains unclear.

Genome-Nilou Lab
Classification: Uncertain significance for Catecholaminergic polymorphic ventricular tachycardia 2. Last evaluated: 2023-04-11. Review status: criteria provided, single submitter. Criteria: ACMG Guidelines, 2015. Collection method: clinical testing. Allele origin: germline. Affected: no.

Labcorp Genetics (formerly Invitae), Labcorp
Classification: Uncertain significance for Catecholaminergic polymorphic ventricular tachycardia. Last evaluated: 2018-11-07. Review status: criteria provided, single submitter. Criteria: Invitae Variant Classification Sherloc (09022015). Collection method: clinical testing. Allele origin: germline.
Comment: This sequence change replaces glutamine with glutamic acid at codon 69 of the CASQ2 protein (p.Gln69Glu). The glutamine residue is moderately conserved and there is a small physicochemical difference between glutamine and glutamic acid. The frequency data for this variant in the population databases is considered unreliable, as metrics indicate poor data quality at this position in the ExAC database. This variant has not been reported in the literature in individuals with CASQ2-related disease. Algorithms developed to predict the effect of missense changes on protein structure and function are either unavailable or do not agree on the potential impact of this missense change (SIFT: "Deleterious"; PolyPhen-2: "Benign"; Align-GVGD: "Class C0"). In summary, the available evidence is currently insufficient to determine the role of this variant in disease. Therefore, it has been classified as a Variant of Uncertain Significance.